The following is an entry in ClinVar:

NM_152383.5(DIS3L2):c.108G>A (p.Lys36=)

Gene: DIS3L2 (DIS3 like 3'-5' exoribonuclease 2; plus strand). Cytogenetic location: 2q37.1.
Variant type: single nucleotide variant.
Coding change: c.108G>A on transcript NM_152383.5 (MANE Select); coding-DNA position 108, G replaced by A.
Protein change: p.Lys36=; no amino-acid change (lysine 36 retained).
Molecular consequence: synonymous variant. On other transcripts: non-coding transcript variant (2).
Genome position (GRCh38, 1-based): chr2:232,015,569, G>A. VCF-style: chr2-232015569-G-A. GRCh37 (hg19) VCF-style: chr2-232880279-G-A.
Other names: c.108G>A, p.Lys36= (NM_001257281.2, NM_001257282.2).
Identifiers: ClinVar variation 416341 (VCV000416341.20), dbSNP rs371477071, ClinGen allele CA2163725.
Genomic context (GRCh38, chr2:232,015,569, plus strand): 5'-TCTAGGTGTGTCTGCTGTGGCTGGTCCACATGACATTGGTGCTTCGCCAGGTGACAAAAA[G>A]TCAAAGAACAGGTCCACACGAGGGAAGAAAAAGAGCATATTTGAAACTTACATGTCCAAG-3'
Protein context (NP_689596.4, residues 26-46): HDIGASPGDK[Lys36=]SKNRSTRGKK

ClinVar aggregate classification (germline): Conflicting classifications of pathogenicity. Review status: criteria provided, conflicting classifications (1 of 4 stars). 4 submissions from 4 submitters: Uncertain significance (2); Likely benign (2). Last evaluated 2025-11-05.

Conditions:
Perlman syndrome (PRLMNS). Identifiers: Orphanet 2849, MedGen C0796113, MONDO:0009965, OMIM 267000.

Allele frequency attached by ClinVar (database versions not stated): ESP Exome Variant Server 0.00008; gnomAD 0.00009 and 0.00010; TOPMed 0.00010; gnomAD exomes 0.00017 and 0.00024; ExAC 0.00042.
gnomAD v4.1: 260 of 1,613,956 alleles (0.016%); highest among the groups gnomAD compares: Non-Finnish European, 0.019%; no homozygotes.

Submissions (4):

Labcorp Genetics (formerly Invitae), Labcorp
Classification: Likely benign for Perlman syndrome. Last evaluated: 2025-11-05. Review status: criteria provided, single submitter. Criteria: Invitae Variant Classification Sherloc (09022015). Collection method: clinical testing. Allele origin: germline.

Institute for Clinical Genetics, University Hospital TU Dresden, University Hospital TU Dresden
Classification: Likely benign. Last evaluated: 2021-11-03. Review status: criteria provided, single submitter. Criteria: ACMG Guidelines, 2015. Collection method: clinical testing. Allele origin: germline.

Sema4
Classification: Uncertain significance for Perlman syndrome. Last evaluated: 2021-10-07. Review status: criteria provided, single submitter. Criteria: Sema4 Curation Guidelines. Collection method: curation. Allele origin: germline.
Comment: The DIS3L2 c.108G>A (p.K36=) variant has not been reported in the literature to our knowledge. It was observed in 58/128348 chromosomes of the Non-Finnish European subpopulation, with no homozygotes, in the large and broad cohorts of the Genome Aggregation Database. The variant has been reported in ClinVar (Variation ID 416341). The evidence is insufficient to meet ACMG/AMP criteria for classifying the variant as benign or pathogenic. Thus, the clinical significance of this variant is currently uncertain.

Illumina Laboratory Services, Illumina
Classification: Uncertain significance for Perlman syndrome. Last evaluated: 2017-04-28. Review status: criteria provided, single submitter. Criteria: ICSL Variant Classification Criteria 13 December 2019. Collection method: clinical testing. Allele origin: germline.